The following is an entry in ClinVar:

NM_001142864.4(PIEZO1):c.5008G>C (p.Gly1670Arg)

Gene: PIEZO1 (piezo type mechanosensitive ion channel component 1 (Er blood group); minus strand). Cytogenetic location: 16q24.3.
Variant type: single nucleotide variant.
Coding change: c.5008G>C on transcript NM_001142864.4 (MANE Select); coding-DNA position 5008, G replaced by C.
Protein change: p.Gly1670Arg; replaces glycine 1670 with arginine.
Molecular consequence: missense variant.
Genome position (GRCh38, 1-based): chr16:88,722,014, C>G on the plus strand (G>C on the coding strand, the complement: PIEZO1 is on the minus strand). VCF-style: chr16-88722014-C-G. GRCh37 (hg19) VCF-style: chr16-88788422-C-G.
Other names: p.Gly1670Arg; short protein forms G1670R.
Identifiers: ClinVar variation 3380420 (VCV003380420.3).

ClinVar aggregate classification (germline): Uncertain significance. Review status: criteria provided, multiple submitters, no conflicts (2 of 4 stars). 2 submissions from 2 submitters: Uncertain significance (2). Last evaluated 2026-07-01.

gnomAD v4.1: 4 of 1,548,648 alleles (0.00026%); highest among the groups gnomAD compares: Middle Eastern, 0.038%; no homozygotes.

Submissions (2):

CeGaT Center for Human Genetics Tuebingen
Classification: Uncertain significance. Last evaluated: 2026-07-01. Review status: criteria provided, single submitter. Criteria: CeGaT Center For Human Genetics Tuebingen Variant Classification Criteria Version 2. Collection method: clinical testing. Allele origin: germline. Affected: yes. Observed: 1 variant allele.
Comment: PIEZO1: PM2

Mayo Clinic Laboratories, Mayo Clinic
Classification: Uncertain significance. Last evaluated: 2025-08-27. Review status: criteria provided, single submitter. Criteria: ACMG Guidelines, 2015. Collection method: clinical testing. Allele origin: germline. Observed: 3 variant alleles.
Comment: PM2_moderate

Literature cited by the submitters: PubMed 37697358 (cited by Mayo Clinic Laboratories, Mayo Clinic).